The following is an entry in ClinVar:

NM_001284259.2(KIF20B):c.4504-4T>C

Gene: KIF20B (kinesin family member 20B; plus strand). Cytogenetic location: 10q23.31.
Variant type: single nucleotide variant.
Coding change: c.4504-4T>C on transcript NM_001284259.2 (MANE Select); 4 bases into the intron before coding-DNA position 4504, T replaced by C.
Molecular consequence: intron variant.
Genome position (GRCh38, 1-based): chr10:89,758,702, T>C. VCF-style: chr10-89758702-T-C. GRCh37 (hg19) VCF-style: chr10-91518459-T-C.
Other names: c.4384-4T>C (NM_016195.4); c.4291-4T>C (NM_001382506.1).
Identifiers: ClinVar variation 4681914 (VCV004681914.5).

ClinVar aggregate classification (germline): Uncertain significance (1 of 4 stars; one submission).

Submission:

CeGaT Center for Human Genetics Tuebingen
Classification: Uncertain significance. Last evaluated: 2025-12-01. Review status: criteria provided, single submitter. Criteria: CeGaT Center For Human Genetics Tuebingen Variant Classification Criteria Version 2. Collection method: clinical testing. Allele origin: germline. Affected: yes. Observed: 1 variant allele.
Comment: KIF20B: PM2, BP4